The following is an entry in ClinVar:

NM_015295.3(SMCHD1):c.5760C>G (p.Asp1920Glu)

Gene: SMCHD1 (structural maintenance of chromosomes flexible hinge domain containing 1; plus strand). Cytogenetic location: 18p11.32.
Variant type: single nucleotide variant.
Coding change: c.5760C>G on transcript NM_015295.3 (MANE Select); coding-DNA position 5760, C replaced by G.
Protein change: p.Asp1920Glu; replaces aspartic acid 1920 with glutamic acid.
Molecular consequence: missense variant.
Genome position (GRCh38, 1-based): chr18:2,795,989, C>G. VCF-style: chr18-2795989-C-G. GRCh37 (hg19) VCF-style: chr18-2795987-C-G.
Other names: short protein forms D1920E.
Identifiers: ClinVar variation 2915193 (VCV002915193.4), dbSNP rs760839430, ClinGen allele CA8871785.

ClinVar aggregate classification (germline): Uncertain significance. Review status: criteria provided, multiple submitters, no conflicts (2 of 4 stars). 2 submissions from 2 submitters: Uncertain significance (2). Last evaluated 2025-09-16.

Conditions:
Facioscapulohumeral muscular dystrophy 2 (FSHD2). Also called: FACIOSCAPULOHUMERAL MUSCULAR DYSTROPHY 2, DIGENIC; FSHD2, DIGENIC; MUSCULAR DYSTROPHY, FACIOSCAPULOHUMERAL, TYPE 1B. Identifiers: Orphanet 269, MedGen C1834671, MONDO:0008031, OMIM 158901.

Allele frequency attached by ClinVar (database versions not stated): gnomAD exomes below 0.00001.
gnomAD v4.1: 3 of 1,598,136 alleles (0.00019%); highest among the groups gnomAD compares: Non-Finnish European, 0.00026%; no homozygotes.

Submissions (2):

Labcorp Genetics (formerly Invitae), Labcorp
Classification: Uncertain significance for Facioscapulohumeral muscular dystrophy 2. Last evaluated: 2025-09-16. Review status: criteria provided, single submitter. Criteria: Invitae Variant Classification Sherloc (09022015). Collection method: clinical testing. Allele origin: germline.
Comment: This sequence change replaces aspartic acid, which is acidic and polar, with glutamic acid, which is acidic and polar, at codon 1920 of the SMCHD1 protein (p.Asp1920Glu). This variant is not present in population databases (gnomAD no frequency). This variant has not been reported in the literature in individuals affected with SMCHD1-related conditions. ClinVar contains an entry for this variant (Variation ID: 2915193). Invitae Evidence Modeling of protein sequence and biophysical properties (such as structural, functional, and spatial information, amino acid conservation, physicochemical variation, residue mobility, and thermodynamic stability) indicates that this missense variant is not expected to disrupt SMCHD1 protein function with a negative predictive value of 80%. In summary, the available evidence is currently insufficient to determine the role of this variant in disease. Therefore, it has been classified as a Variant of Uncertain Significance.

Blueprint Genetics
Classification: Uncertain significance. Last evaluated: 2023-12-28. Review status: criteria provided, single submitter. Criteria: ACMG Guidelines, 2015. Collection method: clinical testing. Allele origin: germline.